The following is an entry in ClinVar:

NM_005066.3(SFPQ):c.207G>C (p.Gln69His)

Gene: SFPQ (splicing factor proline and glutamine rich; minus strand). Cytogenetic location: 1p34.3.
Variant type: single nucleotide variant.
Coding change: c.207G>C on transcript NM_005066.3 (MANE Select); coding-DNA position 207, G replaced by C.
Protein change: p.Gln69His; replaces glutamine 69 with histidine.
Molecular consequence: missense variant. On other transcripts: non-coding transcript variant (2).
Genome position (GRCh38, 1-based): chr1:35,192,843, C>G on the plus strand (G>C on the coding strand, the complement: SFPQ is on the minus strand). VCF-style: chr1-35192843-C-G. GRCh37 (hg19) VCF-style: chr1-35658444-C-G.
Other names: short protein forms Q69H.
Identifiers: ClinVar variation 1334526 (VCV001334526.4), dbSNP rs2148630116, ClinGen allele CA339300278.
Genomic context (GRCh38, chr1:35,192,843, plus strand): 5'-CGGCGGCGGCTGATGCGGTGGCGGCTGCTGCGGCGGTGGCTGCTGCGGTGGTGGCTGTTG[C>G]TGCTGTTGGTGTGGAGGCGGTGGCGGGATCGGAGGCTTAGGGCCGCTCTGGCCCGGGCCA-3'
Protein context (NP_005057.1, residues 59-79): PIPPPPPHQQ[Gln69His]QQPPPQQPPP

ClinVar aggregate classification (germline): Uncertain significance (0 of 4 stars; one submission).

Submission:

Greenwood Genetic Center Diagnostic Laboratories, Greenwood Genetic Center
Classification: Uncertain significance. Last evaluated: 2021-08-16. Review status: no assertion criteria provided. Collection method: clinical testing. Allele origin: germline. Affected: yes.
Comment: Gene of uncertain significance